The following is an entry in ClinVar:

ClinVar aggregate classification (germline): Uncertain significance (1 of 4 stars; one submission).

Submission:

GeneDx
Classification: Uncertain significance. Last evaluated: 2026-03-27. Review status: criteria provided, single submitter. Criteria: GeneDx Variant Classification Process June 2021. Collection method: clinical testing. Allele origin: germline.
Comment: Not observed at significant frequency in large population cohorts (gnomAD); In silico analysis supports that this missense variant has a deleterious effect on protein structure/function; Has not been previously published as pathogenic or benign to our knowledge

NM_001287491.2(TET3):c.3013C>T (p.Arg1005Cys)

Gene: TET3 (tet methylcytosine dioxygenase 3; plus strand). Cytogenetic location: 2p13.1.
Variant type: single nucleotide variant.
Coding change: c.3013C>T on transcript NM_001287491.2 (MANE Select); coding-DNA position 3013, C replaced by T.
Protein change: p.Arg1005Cys; replaces arginine 1005 with cysteine.
Molecular consequence: missense variant.
Genome position (GRCh38, 1-based): chr2:74,090,021, C>T. VCF-style: chr2-74090021-C-T. GRCh37 (hg19) VCF-style: chr2-74317148-C-T.
Other names: c.2734C>T, p.Arg912Cys (NM_001366022.1); short protein forms R1005C, R912C.
Identifiers: ClinVar variation 5017511 (VCV005017511.1).